The following is an entry in ClinVar:

NM_020297.4(ABCC9):c.142+19T>A

Gene: ABCC9 (ATP binding cassette subfamily C member 9; minus strand). Cytogenetic location: 12p12.1.
Variant type: single nucleotide variant.
Coding change: c.142+19T>A on transcript NM_020297.4 (MANE Select); 19 bases into the intron after coding-DNA position 142, T replaced by A.
Molecular consequence: intron variant.
Genome position (GRCh38, 1-based): chr12:21,936,514, A>T on the plus strand (T>A on the coding strand, the complement: ABCC9 is on the minus strand). VCF-style: chr12-21936514-A-T. GRCh37 (hg19) VCF-style: chr12-22089448-A-T.
Other names: c.-313+19T>A (NM_001377274.1); c.142+19T>A (NM_005691.4, NM_001377273.1).
Identifiers: ClinVar variation 387388 (VCV000387388.14), dbSNP rs547603072, ClinGen allele CA6481948.

ClinVar aggregate classification (germline): Benign/Likely benign. Review status: criteria provided, multiple submitters, no conflicts (2 of 4 stars). 5 submissions from 5 submitters: Benign (1); Likely benign (2). 2 of the submissions do not count toward it. Last evaluated 2026-02-01.

Conditions:
Dilated cardiomyopathy 1O (CMD1O). Also called: CARDIOMYOPATHY, DILATED, WITH VENTRICULAR TACHYCARDIA. Identifiers: Orphanet 154, MedGen C1837839, MONDO:0012062, OMIM 608569.

Allele frequency attached by ClinVar (database versions not stated): gnomAD below 0.00001 and 0.00004; TOPMed below 0.00001; gnomAD exomes 0.00007 and 0.00009; ExAC 0.00014; 1000 Genomes Project 30x 0.00031; 1000 Genomes Project 0.00040.
gnomAD v4.1: 105 of 1,589,814 alleles (0.0066%); highest among the groups gnomAD compares: South Asian, 0.11%; 1 homozygote.

Submissions (5):

Labcorp Genetics (formerly Invitae), Labcorp
Classification: Benign for Dilated cardiomyopathy 1O. Last evaluated: 2026-02-01. Review status: criteria provided, single submitter. Criteria: Invitae Variant Classification Sherloc (09022015). Collection method: clinical testing. Allele origin: germline.

Blueprint Genetics
Classification: Likely benign. Last evaluated: 2024-11-04. Review status: criteria provided, single submitter. Criteria: ACMG Guidelines, 2015. Collection method: clinical testing. Allele origin: germline.

GeneDx
Classification: Likely benign. Last evaluated: 2016-07-06. Review status: criteria provided, single submitter. Criteria: GeneDx Variant Classification (06012015). Collection method: clinical testing. Allele origin: germline. Affected: yes.
Comment: This variant is considered likely benign or benign based on one or more of the following criteria: it is a conservative change, it occurs at a poorly conserved position in the protein, it is predicted to be benign by multiple in silico algorithms, and/or has population frequency not consistent with disease.

Clinical Genetics DNA and cytogenetics Diagnostics Lab, Erasmus MC, Erasmus Medical Center
Classification: Benign. Review status: no assertion criteria provided. Collection method: clinical testing. Allele origin: germline. Affected: yes. Study: VKGL Data-share Consensus. Not counted in ClinVar's aggregate classification.

Diagnostic Laboratory, Department of Genetics, University Medical Center Groningen
Classification: Likely benign. Review status: no assertion criteria provided. Collection method: clinical testing. Allele origin: germline. Affected: yes. Study: VKGL Data-share Consensus. Not counted in ClinVar's aggregate classification.